The following is an entry in ClinVar:

NM_016507.4(CDK12):c.2996A>G (p.His999Arg)

Gene: CDK12 (cyclin dependent kinase 12; plus strand). Cytogenetic location: 17q12.
Variant type: single nucleotide variant.
Coding change: c.2996A>G on transcript NM_016507.4 (MANE Select); coding-DNA position 2996, A replaced by G.
Protein change: p.His999Arg; replaces histidine 999 with arginine.
Molecular consequence: missense variant.
Genome position (GRCh38, 1-based): chr17:39,519,988, A>G. VCF-style: chr17-39519988-A-G. GRCh37 (hg19) VCF-style: chr17-37676241-A-G.
Other names: c.2996A>G, p.His999Arg (NM_015083.4); short protein forms H999R.
Identifiers: ClinVar variation 3999486 (VCV003999486.1).

ClinVar aggregate classification (germline): Uncertain significance (1 of 4 stars; one submission).

gnomAD v4.1: 1 of 1,613,956 alleles (0.000062%); highest among the groups gnomAD compares: Non-Finnish European, 0.000085%; no homozygotes.

Submission:

Ambry Genetics
Classification: Uncertain significance. Last evaluated: 2025-05-23. Review status: criteria provided, single submitter. Criteria: Ambry Variant Classification Scheme 2023. Collection method: clinical testing. Allele origin: germline.
Comment: The p.H999R variant (also known as c.2996A>G), located in coding exon 11 of the CDK12 gene, results from an A to G substitution at nucleotide position 2996. The histidine at codon 999 is replaced by arginine, an amino acid with highly similar properties. This amino acid position is conserved. In addition, this alteration is predicted to be tolerated by in silico analysis. Based on the available evidence, the clinical significance of this variant remains unclear.